The following is an entry in ClinVar:

NM_015189.3(EXOC6B):c.2196+3A>G

Gene: EXOC6B (exocyst complex component 6B; minus strand). Cytogenetic location: 2p13.2.
Variant type: single nucleotide variant.
Coding change: c.2196+3A>G on transcript NM_015189.3 (MANE Select); 3 bases into the intron after coding-DNA position 2196, A replaced by G.
Molecular consequence: intron variant.
Genome position (GRCh38, 1-based): chr2:72,334,944, T>C on the plus strand (A>G on the coding strand, the complement: EXOC6B is on the minus strand). VCF-style: chr2-72334944-T-C. GRCh37 (hg19) VCF-style: chr2-72562073-T-C.
Other names: c.1857+3A>G (NM_001321734.2); c.2061+3A>G (NM_001321733.2, NM_001321730.2); c.2196+3A>G (NM_001321729.2, NM_001321731.2).
Identifiers: ClinVar variation 3009996 (VCV003009996.3), dbSNP rs1458516389, ClinGen allele CA533329769.

ClinVar aggregate classification (germline): Uncertain significance (1 of 4 stars; one submission).

Allele frequency attached by ClinVar (database versions not stated): gnomAD exomes below 0.00001; TOPMed below 0.00001.
gnomAD v4.1: 2 of 1,613,104 alleles (0.00012%); highest among the groups gnomAD compares: Admixed American, 0.0017%; no homozygotes.

Submission:

Labcorp Genetics (formerly Invitae), Labcorp
Classification: Uncertain significance. Last evaluated: 2023-11-10. Review status: criteria provided, single submitter. Criteria: Invitae Variant Classification Sherloc (09022015). Collection method: clinical testing. Allele origin: germline.
Comment: This sequence change falls in intron 20 of the EXOC6B gene. It does not directly change the encoded amino acid sequence of the EXOC6B protein. It affects a nucleotide within the consensus splice site. This variant is present in population databases (no rsID available, gnomAD 0.006%). This variant has not been reported in the literature in individuals affected with EXOC6B-related conditions. Variants that disrupt the consensus splice site are a relatively common cause of aberrant splicing (PMID: 17576681, 9536098). Algorithms developed to predict the effect of sequence changes on RNA splicing suggest that this variant is not likely to affect RNA splicing. In summary, the available evidence is currently insufficient to determine the role of this variant in disease. Therefore, it has been classified as a Variant of Uncertain Significance.

Literature cited by the submitters: PubMed 17576681; PubMed 9536098.